The following is an entry in ClinVar:

ClinVar aggregate classification (germline): Uncertain significance (1 of 4 stars; one submission).

Allele frequency attached by ClinVar (database versions not stated): gnomAD exomes below 0.00001; ExAC 0.00001.
gnomAD v4.1: 2 of 1,614,114 alleles (0.00012%); highest among the groups gnomAD compares: African/African-American, 0.0013%; no homozygotes.

Submission:

Labcorp Genetics (formerly Invitae), Labcorp
Classification: Uncertain significance. Last evaluated: 2021-10-12. Review status: criteria provided, single submitter. Criteria: Invitae Variant Classification Sherloc (09022015). Collection method: clinical testing. Allele origin: germline.
Comment: This variant has not been reported in the literature in individuals affected with GTPBP3-related conditions. Algorithms developed to predict the effect of missense changes on protein structure and function are either unavailable or do not agree on the potential impact of this missense change (SIFT: "Deleterious"; PolyPhen-2: "Benign"; Align-GVGD: "Class C0"). In summary, the available evidence is currently insufficient to determine the role of this variant in disease. Therefore, it has been classified as a Variant of Uncertain Significance. This variant is present in population databases (rs757658311, ExAC 0.002%). This sequence change replaces glycine with valine at codon 223 of the GTPBP3 protein (p.Gly223Val). The glycine residue is weakly conserved and there is a moderate physicochemical difference between glycine and valine.

NM_032620.4(GTPBP3):c.664+4G>T

Gene: GTPBP3 (GTP binding protein 3, mitochondrial; plus strand). Cytogenetic location: 19p13.11.
Variant type: single nucleotide variant.
Coding change: c.664+4G>T on transcript NM_032620.4 (MANE Select); 4 bases into the intron after coding-DNA position 664, G replaced by T.
Molecular consequence: intron variant. On other transcripts: missense variant (1).
Genome position (GRCh38, 1-based): chr19:17,339,030, G>T. VCF-style: chr19-17339030-G-T. GRCh37 (hg19) VCF-style: chr19-17449839-G-T.
Other names: c.668G>T, p.Gly223Val (NM_133644.4); c.730+4G>T (NM_001195422.1); c.664+4G>T (NM_001128855.3); short protein forms G223V.
Identifiers: ClinVar variation 1386359 (VCV001386359.6), dbSNP rs757658311, ClinGen allele CA9293434.